The following is an entry in ClinVar:

ClinVar aggregate classification (germline): Uncertain significance (1 of 4 stars; one submission).

Conditions:
ABCA2-related disorder. Also called: ABCA2-related condition.

Allele frequency attached by ClinVar (database versions not stated): TOPMed 0.00003; gnomAD 0.00006.
gnomAD v4.1: 140 of 1,590,966 alleles (0.0088%); highest among the groups gnomAD compares: Non-Finnish European, 0.011%; no homozygotes.

Submission:

PreventionGenetics, part of Exact Sciences
Classification: Uncertain significance for ABCA2-related condition. Last evaluated: 2023-02-21. Review status: criteria provided, single submitter. Criteria: ACMG Guidelines, 2015. Collection method: clinical testing. Allele origin: germline.
Comment: The ABCA2 c.6982C>T variant is predicted to result in the amino acid substitution p.Arg2328Trp. To our knowledge, this variant has not been reported in the literature. This variant is reported in 0.013% of alleles in individuals of South Asian descent in gnomAD. At this time, the clinical significance of this variant is uncertain due to the absence of conclusive functional and genetic evidence.

NM_001606.5(ABCA2):c.6892C>T (p.Arg2298Trp)

Gene: ABCA2 (ATP binding cassette subfamily A member 2; minus strand). Cytogenetic location: 9q34.3.
Variant type: single nucleotide variant.
Coding change: c.6892C>T on transcript NM_001606.5 (MANE Select); coding-DNA position 6892, C replaced by T.
Protein change: p.Arg2298Trp; replaces arginine 2298 with tryptophan.
Molecular consequence: missense variant.
Genome position (GRCh38, 1-based): chr9:137,008,989, G>A on the plus strand (C>T on the coding strand, the complement: ABCA2 is on the minus strand). VCF-style: chr9-137008989-G-A. GRCh37 (hg19) VCF-style: chr9-139903441-G-A.
Other names: c.6889C>T, p.Arg2297Trp (NM_001411042.1); c.6982C>T, p.Arg2328Trp (NM_212533.3); short protein forms R2297W, R2298W, R2328W.
Identifiers: ClinVar variation 2634932 (VCV002634932.1), dbSNP rs747266171, ClinGen allele CA5353402.